The following is an entry in ClinVar:

NM_021930.6(RINT1):c.527A>G (p.Gln176Arg)

Gene: RINT1 (RAD50 interactor 1; plus strand). Cytogenetic location: 7q22.3.
Variant type: single nucleotide variant.
Coding change: c.527A>G on transcript NM_021930.6 (MANE Select); coding-DNA position 527, A replaced by G.
Protein change: p.Gln176Arg; replaces glutamine 176 with arginine.
Molecular consequence: missense variant. On other transcripts: 5 prime UTR variant (2), non-coding transcript variant (1), intron variant (1).
Genome position (GRCh38, 1-based): chr7:105,546,921, A>G. VCF-style: chr7-105546921-A-G. GRCh37 (hg19) VCF-style: chr7-105187368-A-G.
Other names: c.293A>G, p.Gln98Arg (NM_001346599.2); c.-493A>G (NM_001346600.2); c.-396A>G (NM_001346601.2); c.-27-3134A>G (NM_001346603.2); short protein forms Q98R, Q176R.
Identifiers: ClinVar variation 3433604 (VCV003433604.1).

ClinVar aggregate classification (germline): Uncertain significance (1 of 4 stars; one submission).

Submission:

Ambry Genetics
Classification: Uncertain significance. Last evaluated: 2024-08-21. Review status: criteria provided, single submitter. Criteria: Ambry Variant Classification Scheme 2023. Collection method: clinical testing. Allele origin: germline.
Comment: The p.Q176R variant (also known as c.527A>G), located in coding exon 5 of the RINT1 gene, results from an A to G substitution at nucleotide position 527. The glutamine at codon 176 is replaced by arginine, an amino acid with highly similar properties. This amino acid position is conserved. In addition, the in silico prediction for this alteration is inconclusive. Based on the available evidence, the clinical significance of this variant remains unclear.